The following is an entry in ClinVar:

ClinVar aggregate classification (germline): Uncertain significance (1 of 4 stars; one submission).

gnomAD v4.1: 13 of 1,614,072 alleles (0.00081%); highest among the groups gnomAD compares: South Asian, 0.0044%; no homozygotes.

Submission:

Labcorp Genetics (formerly Invitae), Labcorp
Classification: Uncertain significance. Last evaluated: 2022-05-02. Review status: criteria provided, single submitter. Criteria: Invitae Variant Classification Sherloc (09022015). Collection method: clinical testing. Allele origin: germline.
Comment: In summary, the available evidence is currently insufficient to determine the role of this variant in disease. Therefore, it has been classified as a Variant of Uncertain Significance. Advanced modeling of protein sequence and biophysical properties (such as structural, functional, and spatial information, amino acid conservation, physicochemical variation, residue mobility, and thermodynamic stability) performed at Invitae indicates that this missense variant is not expected to disrupt EIF2AK4 protein function. This variant has not been reported in the literature in individuals affected with EIF2AK4-related conditions. This variant is present in population databases (no rsID available, gnomAD 0.003%). This sequence change replaces serine, which is neutral and polar, with tyrosine, which is neutral and polar, at codon 979 of the EIF2AK4 protein (p.Ser979Tyr).

NM_001013703.4(EIF2AK4):c.2936C>A (p.Ser979Tyr)

Gene: EIF2AK4 (eukaryotic translation initiation factor 2 alpha kinase 4; plus strand). Cytogenetic location: 15q15.1.
Variant type: single nucleotide variant.
Coding change: c.2936C>A on transcript NM_001013703.4 (MANE Select); coding-DNA position 2936, C replaced by A.
Protein change: p.Ser979Tyr; replaces serine 979 with tyrosine.
Molecular consequence: missense variant.
Genome position (GRCh38, 1-based): chr15:40,001,001, C>A. VCF-style: chr15-40001001-C-A. GRCh37 (hg19) VCF-style: chr15-40293202-C-A.
Other names: short protein forms S979Y.
Identifiers: ClinVar variation 1938475 (VCV001938475.5), dbSNP rs776612590, ClinGen allele CA391693027.
Genomic context (GRCh38, chr15:40,001,001, plus strand): 5'-CATTATCCATTGCATCCCATTAGCAGTGTGCCTGGGTTTTATTGTAGAAATCAGTCATCT[C>A]CTGGCTGTTGAACCACGATCCAGCAAAACGGCCCACAGCCACAGAACTGCTCAAGAGTGA-3'
Protein context (NP_001013725.2, residues 969-989): GEHAKQKSVI[Ser979Tyr]WLLNHDPAKR